The following is an entry in ClinVar:

NM_001010870.3(TDRD6):c.547G>T (p.Glu183Ter)

Gene: TDRD6 (tudor domain containing 6; plus strand). Cytogenetic location: 6p12.3.
Variant type: single nucleotide variant.
Coding change: c.547G>T on transcript NM_001010870.3 (MANE Select); coding-DNA position 547, G replaced by T.
Protein change: p.Glu183Ter; replaces glutamic acid 183 with a stop codon.
Molecular consequence: nonsense.
Genome position (GRCh38, 1-based): chr6:46,688,675, G>T. VCF-style: chr6-46688675-G-T. GRCh37 (hg19) VCF-style: chr6-46656412-G-T.
Other names: c.547G>T, p.Glu183Ter (NM_001168359.2); short protein forms E183*.
Identifiers: ClinVar variation 4533383 (VCV004533383.1).
Genomic context (GRCh38, chr6:46,688,675, plus strand): 5'-GGCAAGGAGGTGCACGGGTGCGTCCTGGACGTGCTGCTGCTCCATCGCCTGGTCCTCCTG[G>T]AGGTGCCTGATGTGTTCCAACAGATGCGGGAGCTGGGCCTGGCTCGGCGGGTGCCCGACA-3'

ClinVar aggregate classification (germline): Pathogenic (1 of 4 stars; one submission).

Conditions:
Male infertility. Identifiers: MedGen C0021364, MeSH D007248, MONDO:0005372, HP:0003251.

gnomAD v4.1: 1 of 1,600,130 alleles (0.000062%); highest among the groups gnomAD compares: Non-Finnish European, 0.000085%; no homozygotes.

Submission:

Institute of Reproductive Genetics, University of Münster
Classification: Pathogenic for Male infertility. Last evaluated: 2025-12-03. Review status: criteria provided, single submitter. Criteria: Uk Practice Guidelines For Variant Classification V4 01 2020. Collection method: research. Allele origin: germline. Affected: yes. Observed: 1 variant allele.
Comment: The NM_001010870.3:c.547G>T, is a stop-gain variant in TDRD6 which results in the insertion of a premature stop codon at position 183 (PVS1). This variant is rare in gnomAD (PM2_sup); version 4.1.1. In summary, this variant meets criteria to be classified as pathogenic for male infertility based on the ACMG/ criteria applied, as specified by the UK Best Practice Guidelines for variant classification (PVS1, PM3, PM2_sup).